The following is an entry in ClinVar:

ClinVar aggregate classification (germline): Uncertain significance (1 of 4 stars; one submission).

Conditions:
IFAP syndrome 2. Also called: ICHTHYOSIS FOLLICULARIS, ATRICHIA, AND PHOTOPHOBIA SYNDROME 2. Identifiers: MedGen C5436607, MONDO:0100221, OMIM 619016.
Hereditary mucoepithelial dysplasia (HMD). Also called: Urban-Schosser-Spohn syndrome. Identifiers: Orphanet 1839, MedGen C1274795, MONDO:0008017, OMIM 158310.

Submission:

Juno Genomics, Hangzhou Juno Genomics, Inc
Classification: Uncertain significance for IFAP syndrome 2; Hereditary mucoepithelial dysplasia. Review status: criteria provided, single submitter. Criteria: ACMG Guidelines, 2015. Collection method: clinical testing. Allele origin: germline.
Comment: Absent from controls (or at extremely low frequency if recessive) in Genome Aggregation Database.;Multiple lines of computational evidence support a deleterious effect on the gene or gene product.

NM_004176.5(SREBF1):c.2735+13C>T

Gene: SREBF1 (sterol regulatory element binding transcription factor 1; minus strand). Cytogenetic location: 17p11.2.
Variant type: single nucleotide variant.
Coding change: c.2735+13C>T on transcript NM_004176.5 (MANE Select); 13 bases into the intron after coding-DNA position 2735, C replaced by T.
Molecular consequence: intron variant.
Genome position (GRCh38, 1-based): chr17:17,814,602, G>A on the plus strand (C>T on the coding strand, the complement: SREBF1 is on the minus strand). VCF-style: chr17-17814602-G-A. GRCh37 (hg19) VCF-style: chr17-17717916-G-A.
Other names: c.2303+13C>T (NM_001388394.1); c.2729+13C>T (NM_001388389.1); c.2513+13C>T (NM_001388392.1); c.2690+13C>T (NM_001388388.1); c.2717+13C>T (NM_001388390.1); c.2708+13C>T (NM_001388391.1); c.2774+13C>T (NM_001388387.1); c.2354+13C>T (NM_001388393.1); and 4 more.
Identifiers: ClinVar variation 5019306 (VCV005019306.2).
Genomic context (GRCh38, chr17:17,814,602, plus strand): 5'-GTGAGGCACAGTGCCCAGGGGATGAGGAAGGCTGAGCCCGGGACCAGGCAGGAGGAACCT[G>A]CCGTGCACTCACTCAGACTCCTGCAGCACCCGGGGCAGGTGCTCCACCAGCGGGCACAGC-3'